The following is an entry in ClinVar:

NM_000489.6(ATRX):c.4046A>G (p.Asp1349Gly)

Gene: ATRX (ATRX chromatin remodeler; minus strand). Cytogenetic location: Xq21.1.
Variant type: single nucleotide variant.
Coding change: c.4046A>G on transcript NM_000489.6 (MANE Select); coding-DNA position 4046, A replaced by G.
Protein change: p.Asp1349Gly; replaces aspartic acid 1349 with glycine.
Molecular consequence: missense variant.
Genome position (GRCh38, 1-based): chrX:77,663,456, T>C on the plus strand (A>G on the coding strand, the complement: ATRX is on the minus strand). VCF-style: chrX-77663456-T-C. GRCh37 (hg19) VCF-style: chrX-76918945-T-C.
Other names: c.3932A>G, p.Asp1311Gly (NM_138270.5); short protein forms D1311G, D1349G.
Identifiers: ClinVar variation 4761504 (VCV004761504.1).
Genomic context (GRCh38, chrX:77,663,456, plus strand): 5'-CTGCCTTTGACTTCTTTATGCTCTTTAGGCTTTGTCTTTTTTTCTTCTCCAGATTCTCCG[T>C]CACTCACAGTCAATTTGTGCCGCAAAAGCCTATGTCTGTATCTTGGCTTCTTAGATTCTT-3'
Protein context (NP_000480.3, residues 1339-1359): RLLRHKLTVS[Asp1349Gly]GESGEEKKTK

ClinVar aggregate classification (germline): Uncertain significance (1 of 4 stars; one submission).

Conditions:
Alpha thalassemia-X-linked intellectual disability syndrome (ATRX). Also called: ALPHA-THALASSEMIA/MENTAL RETARDATION SYNDROME, X-LINKED; ATR, NONDELETION TYPE; ATR-X syndrome; Alpha thalassemia mental retardation syndrome, nondeletion type, X-linked; XLMR hypotonic face syndrome; X-linked alpha-thalassemia-mental retardation syndrome. Identifiers: Orphanet 847, MedGen C1845055, MONDO:0010519, OMIM 301040.

Submission:

Labcorp Genetics (formerly Invitae), Labcorp
Classification: Uncertain significance for Alpha thalassemia-X-linked intellectual disability syndrome. Last evaluated: 2025-04-29. Review status: criteria provided, single submitter. Criteria: Invitae Variant Classification Sherloc (09022015). Collection method: clinical testing. Allele origin: germline.
Comment: This sequence change replaces aspartic acid, which is acidic and polar, with glycine, which is neutral and non-polar, at codon 1349 of the ATRX protein (p.Asp1349Gly). This variant is not present in population databases (gnomAD no frequency). This variant has not been reported in the literature in individuals affected with ATRX-related conditions. Invitae Evidence Modeling of protein sequence and biophysical properties (such as structural, functional, and spatial information, amino acid conservation, physicochemical variation, residue mobility, and thermodynamic stability) indicates that this missense variant is not expected to disrupt ATRX protein function with a negative predictive value of 95%. In summary, the available evidence is currently insufficient to determine the role of this variant in disease. Therefore, it has been classified as a Variant of Uncertain Significance.